The following is an entry in ClinVar:

NM_003185.4(TAF4):c.1260C>T (p.Thr420=)

Gene: TAF4 (TATA-box binding protein associated factor 4; minus strand). Cytogenetic location: 20q13.33.
Variant type: single nucleotide variant.
Coding change: c.1260C>T on transcript NM_003185.4 (MANE Select); coding-DNA position 1260, C replaced by T.
Protein change: p.Thr420=; no amino-acid change (threonine 420 retained).
Molecular consequence: synonymous variant.
Genome position (GRCh38, 1-based): chr20:62,064,551, G>A on the plus strand (C>T on the coding strand, the complement: TAF4 is on the minus strand). VCF-style: chr20-62064551-G-A. GRCh37 (hg19) VCF-style: chr20-60639607-G-A.
Identifiers: ClinVar variation 5039957 (VCV005039957.1).

ClinVar aggregate classification (germline): Likely benign (1 of 4 stars; one submission).

gnomAD v4.1: 2 of 1,522,646 alleles (0.00013%); highest among the groups gnomAD compares: Non-Finnish European, 0.00018%; no homozygotes.

Submission:

CeGaT Center for Human Genetics Tuebingen
Classification: Likely benign. Last evaluated: 2026-06-01. Review status: criteria provided, single submitter. Criteria: CeGaT Center For Human Genetics Tuebingen Variant Classification Criteria Version 2. Collection method: clinical testing. Allele origin: germline. Affected: yes. Observed: 1 variant allele.
Comment: TAF4: BP4, BP7